The following is an entry in ClinVar:

NM_001001957.2(OR2W3):c.295A>G (p.Ile99Val)

Gene: OR2W3 (olfactory receptor family 2 subfamily W member 3; plus strand). Cytogenetic location: 1q44.
Variant type: single nucleotide variant.
Coding change: c.295A>G on transcript NM_001001957.2 (MANE Select); coding-DNA position 295, A replaced by G.
Protein change: p.Ile99Val; replaces isoleucine 99 with valine.
Molecular consequence: missense variant.
Genome position (GRCh38, 1-based): chr1:247,895,881, A>G. VCF-style: chr1-247895881-A-G. GRCh37 (hg19) VCF-style: chr1-248059183-A-G.
Other names: short protein forms I99V.
Identifiers: ClinVar variation 2986160 (VCV002986160.3), dbSNP rs2527687734, ClinGen allele CA345591933.

ClinVar aggregate classification (germline): Uncertain significance (1 of 4 stars; one submission).

Allele frequency attached by ClinVar (database versions not stated): gnomAD exomes below 0.00001.

Submission:

Labcorp Genetics (formerly Invitae), Labcorp
Classification: Uncertain significance. Last evaluated: 2023-01-23. Review status: criteria provided, single submitter. Criteria: Invitae Variant Classification Sherloc (09022015). Collection method: clinical testing. Allele origin: germline.
Comment: This variant is not present in population databases (gnomAD no frequency). In summary, the available evidence is currently insufficient to determine the role of this variant in disease. Therefore, it has been classified as a Variant of Uncertain Significance. Algorithms developed to predict the effect of missense changes on protein structure and function output the following: SIFT: "Tolerated"; PolyPhen-2: "Benign"; Align-GVGD: "Class C0". The valine amino acid residue is found in multiple mammalian species, which suggests that this missense change does not adversely affect protein function. This variant has not been reported in the literature in individuals affected with OR2W3-related conditions. This sequence change replaces isoleucine, which is neutral and non-polar, with valine, which is neutral and non-polar, at codon 99 of the OR2W3 protein (p.Ile99Val).